The following is an entry in ClinVar:

NM_014633.5(CTR9):c.1760A>C (p.Lys587Thr)

Gene: CTR9 (CTR9 homolog, Paf1/RNA polymerase II complex component; plus strand). Cytogenetic location: 11p15.4.
Variant type: single nucleotide variant.
Coding change: c.1760A>C on transcript NM_014633.5 (MANE Select); coding-DNA position 1760, A replaced by C.
Protein change: p.Lys587Thr; replaces lysine 587 with threonine.
Molecular consequence: missense variant.
Genome position (GRCh38, 1-based): chr11:10,767,879, A>C. VCF-style: chr11-10767879-A-C. GRCh37 (hg19) VCF-style: chr11-10789426-A-C.
Other names: c.1760A>C, p.Lys587Thr (NM_001346279.2); short protein forms K587T.
Identifiers: ClinVar variation 1695493 (VCV001695493.2), dbSNP rs2135374831, ClinGen allele CA379673200.

ClinVar aggregate classification (germline): Uncertain significance (1 of 4 stars; one submission).

Submission:

GeneDx
Classification: Uncertain significance. Last evaluated: 2022-01-11. Review status: criteria provided, single submitter. Criteria: GeneDx Variant Classification Process June 2021. Collection method: clinical testing. Allele origin: germline. Affected: yes.
Comment: Not observed at significant frequency in large population cohorts (gnomAD); In silico analysis supports that this missense variant has a deleterious effect on protein structure/function; Has not been previously published as pathogenic or benign to our knowledge; Variants in candidate genes are classified as variants of uncertain significance in accordance with ACMG guidelines (Richards et al., 2015)